The following is an entry in ClinVar:

ClinVar aggregate classification (germline): Pathogenic (1 of 4 stars; one submission).

Conditions:
Neurofibromatosis, type 1 (NF1). Also called: VON RECKLINGHAUSEN DISEASE; Peripheral type neurofibromatosis; Neurofibromatosis, type I; NEUROFIBROMATOSIS, TYPE I, SOMATIC. Identifiers: Orphanet 636, MedGen C0027831, MONDO:0018975, OMIM 162200. Disease mechanism: loss of function.

Submission:

Labcorp Genetics (formerly Invitae), Labcorp
Classification: Pathogenic for Neurofibromatosis, type 1. Last evaluated: 2022-12-12. Review status: criteria provided, single submitter. Criteria: Invitae Variant Classification Sherloc (09022015). Collection method: clinical testing. Allele origin: germline.
Comment: This sequence change creates a premature translational stop signal (p.Glu2537*) in the NF1 gene. It is expected to result in an absent or disrupted protein product. Loss-of-function variants in NF1 are known to be pathogenic (PMID: 10712197, 23913538). This variant is not present in population databases (gnomAD no frequency). This variant has not been reported in the literature in individuals affected with NF1-related conditions. Algorithms developed to predict the effect of sequence changes on RNA splicing suggest that this variant may disrupt the consensus splice site. For these reasons, this variant has been classified as Pathogenic.

Literature cited by the submitters: PubMed 10712197; PubMed 23913538.

NM_001042492.3(NF1):c.7672G>T (p.Glu2558Ter)

Gene: NF1 (neurofibromin 1; plus strand). Cytogenetic location: 17q11.2.
Variant type: single nucleotide variant.
Coding change: c.7672G>T on transcript NM_001042492.3 (MANE Select); coding-DNA position 7672, G replaced by T.
Protein change: p.Glu2558Ter; replaces glutamic acid 2558 with a stop codon.
Molecular consequence: nonsense.
Genome position (GRCh38, 1-based): chr17:31,356,516, G>T. VCF-style: chr17-31356516-G-T. GRCh37 (hg19) VCF-style: chr17-29683534-G-T.
Other names: c.7609G>T, p.Glu2537Ter (NM_000267.4); short protein forms E2558*, E2537*.
Identifiers: ClinVar variation 2820226 (VCV002820226.3), dbSNP rs2151581169, ClinGen allele CA399018095.